The following is an entry in ClinVar:

ClinVar aggregate classification (germline): Uncertain significance (1 of 4 stars; one submission).

Allele frequency attached by ClinVar (database versions not stated): gnomAD exomes below 0.00001; ExAC 0.00001.
gnomAD v4.1: 2 of 1,614,176 alleles (0.00012%); highest among the groups gnomAD compares: Non-Finnish European, 0.00017%; no homozygotes.

Submission:

Labcorp Genetics (formerly Invitae), Labcorp
Classification: Uncertain significance. Last evaluated: 2022-02-11. Review status: criteria provided, single submitter. Criteria: Invitae Variant Classification Sherloc (09022015). Collection method: clinical testing. Allele origin: germline.
Comment: In summary, the available evidence is currently insufficient to determine the role of this variant in disease. Therefore, it has been classified as a Variant of Uncertain Significance. Algorithms developed to predict the effect of sequence changes on RNA splicing suggest that this variant may create or strengthen a splice site. Algorithms developed to predict the effect of missense changes on protein structure and function are either unavailable or do not agree on the potential impact of this missense change (SIFT: "Deleterious"; PolyPhen-2: "Probably Damaging"; Align-GVGD: "Class C0"). This variant has not been reported in the literature in individuals affected with DSCAML1-related conditions. This variant is not present in population databases (gnomAD no frequency). This sequence change replaces alanine, which is neutral and non-polar, with valine, which is neutral and non-polar, at codon 547 of the DSCAML1 protein (p.Ala547Val).

NM_020693.4(DSCAML1):c.1460C>T (p.Ala487Val)

Gene: DSCAML1 (DS cell adhesion molecule like 1; minus strand). Cytogenetic location: 11q23.3.
Variant type: single nucleotide variant.
Coding change: c.1460C>T on transcript NM_020693.4 (MANE Select); coding-DNA position 1460, C replaced by T.
Protein change: p.Ala487Val; replaces alanine 487 with valine.
Molecular consequence: missense variant.
Genome position (GRCh38, 1-based): chr11:117,518,516, G>A on the plus strand (C>T on the coding strand, the complement: DSCAML1 is on the minus strand). VCF-style: chr11-117518516-G-A. GRCh37 (hg19) VCF-style: chr11-117389231-G-A.
Other names: c.1460C>T, p.Ala487Val (NM_001367904.1); c.1052C>T, p.Ala351Val (NM_001367905.1); short protein forms A351V, A487V.
Identifiers: ClinVar variation 1975264 (VCV001975264.5), dbSNP rs752524137, ClinGen allele CA6297256.